The following is an entry in ClinVar:

NM_152424.4(AMER1):c.1951G>A (p.Val651Ile)

Gene: AMER1 (APC membrane recruitment protein 1; minus strand). Cytogenetic location: Xq11.2.
Variant type: single nucleotide variant.
Coding change: c.1951G>A on transcript NM_152424.4 (MANE Select); coding-DNA position 1951, G replaced by A.
Protein change: p.Val651Ile; replaces valine 651 with isoleucine.
Molecular consequence: missense variant.
Genome position (GRCh38, 1-based): chrX:64,191,336, C>T on the plus strand (G>A on the coding strand, the complement: AMER1 is on the minus strand). VCF-style: chrX-64191336-C-T. GRCh37 (hg19) VCF-style: chrX-63411216-C-T.
Other names: short protein forms V651I.
Identifiers: ClinVar variation 133496 (VCV000133496.11), dbSNP rs587778026, ClinGen allele CA156694.
Genomic context (GRCh38, chrX:64,191,336, plus strand): 5'-ATACCCCTGCTGCCAGGCCCATCACTGATGGGCCTAAGGGCCTCATCTGATACTCTAAGA[C>T]GGGCTTCTCCTGCCGGGCCTGGGTCTCTCGGACTTGAGTCTCTCTACAACGAACCTCTCG-3'
Protein context (NP_689637.3, residues 641-661): RETQARQEKP[Val651Ile]LEYQMRPLGP

ClinVar aggregate classification (germline): Benign/Likely benign. Review status: criteria provided, multiple submitters, no conflicts (2 of 4 stars). 3 submissions from 3 submitters: Benign (1); Likely benign (1). 1 of the submissions does not count toward it. Last evaluated 2025-10-16.

Allele frequency attached by ClinVar (database versions not stated): gnomAD exomes 0.00009 and 0.00013; gnomAD 0.00018 and 0.00017; 1000 Genomes Project 0.00053; 1000 Genomes Project 30x 0.00062; ExAC 0.00011; TOPMed 0.00005.
gnomAD v4.1: 120 of 1,209,936 alleles (0.0099%); highest among the groups gnomAD compares: Admixed American, 0.061%; no homozygotes.

Submissions (3):

Women's Health and Genetics/Laboratory Corporation of America, LabCorp
Classification: Likely benign. Last evaluated: 2025-10-16. Review status: criteria provided, single submitter. Criteria: LabCorp Variant Classification Summary - May 2015. Collection method: clinical testing. Allele origin: germline.
Comment: Variant summary: AMER1 c.1951G>A (p.Val651Ile) results in a conservative amino acid change in the encoded protein sequence. Algorithms developed to predict the effect of missense changes on protein structure and function all suggest that this variant is likely to be tolerated. The variant allele was found at a frequency of 9.9e-05 in 1209936 control chromosomes, predominantly at a frequency of 0.0015 within the Finnish subpopulation in the gnomAD database. The observed variant frequency within Finnish control individuals in the gnomAD database exceeds the estimated maximal expected allele frequency for disease-causing variants in AMER1. To our knowledge, no occurrence of c.1951G>A in individuals affected with AMER1-related conditions and no experimental evidence demonstrating its impact on protein function have been reported. ClinVar contains an entry for this variant (Variation ID: 133496). Based on the evidence outlined above, the variant was classified as likely benign.

Labcorp Genetics (formerly Invitae), Labcorp
Classification: Benign. Last evaluated: 2025-01-02. Review status: criteria provided, single submitter. Criteria: Invitae Variant Classification Sherloc (09022015). Collection method: clinical testing. Allele origin: germline.

ITMI
No classification provided. Condition: AllHighlyPenetrant. Last evaluated: 2013-09-19. Review status: no classification provided. Collection method: reference population. Allele origin: germline. Not counted in ClinVar's aggregate classification.
Comment: Please see associated publication for description of ethnicities

Literature cited by the submitters: PubMed 24728327 (cited by ITMI).